The following is an entry in ClinVar:

NM_014141.6(CNTNAP2):c.3530G>A (p.Gly1177Asp)

Gene: CNTNAP2 (contactin associated protein 2; plus strand). Cytogenetic location: 7q36.1.
Variant type: single nucleotide variant.
Coding change: c.3530G>A on transcript NM_014141.6 (MANE Select); coding-DNA position 3530, G replaced by A.
Protein change: p.Gly1177Asp; replaces glycine 1177 with aspartic acid.
Molecular consequence: missense variant.
Genome position (GRCh38, 1-based): chr7:148,383,703, G>A. VCF-style: chr7-148383703-G-A. GRCh37 (hg19) VCF-style: chr7-148080795-G-A.
Other names: short protein forms G1177D.
Identifiers: ClinVar variation 2135388 (VCV002135388.4), dbSNP rs2485691651, ClinGen allele CA369704354.

ClinVar aggregate classification (germline): Uncertain significance (1 of 4 stars; one submission).

Conditions:
Cortical dysplasia-focal epilepsy syndrome (PTHSL1). Also called: Pitt-Hopkins-like syndrome 1. Identifiers: Orphanet 163681, Orphanet 221150, MedGen C2750246, MONDO:0012400, OMIM 610042.

Submission:

Labcorp Genetics (formerly Invitae), Labcorp
Classification: Uncertain significance for Cortical dysplasia-focal epilepsy syndrome. Last evaluated: 2022-05-08. Review status: criteria provided, single submitter. Criteria: Invitae Variant Classification Sherloc (09022015). Collection method: clinical testing. Allele origin: germline.
Comment: In summary, the available evidence is currently insufficient to determine the role of this variant in disease. Therefore, it has been classified as a Variant of Uncertain Significance. Algorithms developed to predict the effect of missense changes on protein structure and function are either unavailable or do not agree on the potential impact of this missense change (SIFT: "Deleterious"; PolyPhen-2: "Probably Damaging"; Align-GVGD: "Class C0"). This variant has not been reported in the literature in individuals affected with CNTNAP2-related conditions. This variant is not present in population databases (gnomAD no frequency). This sequence change replaces glycine, which is neutral and non-polar, with aspartic acid, which is acidic and polar, at codon 1177 of the CNTNAP2 protein (p.Gly1177Asp).